The following is an entry in ClinVar:

NM_001365536.1(SCN9A):c.5157A>T (p.Lys1719Asn)

Genes: SCN1A-AS1 (SCN1A and SCN9A antisense RNA 1; plus strand), SCN9A (sodium voltage-gated channel alpha subunit 9; minus strand). Cytogenetic location: 2q24.3.
Variant type: single nucleotide variant.
Coding change: c.5157A>T on transcript NM_001365536.1 (MANE Select); coding-DNA position 5157, A replaced by T.
Protein change: p.Lys1719Asn; replaces lysine 1719 with asparagine.
Molecular consequence: missense variant.
Genome position (GRCh38, 1-based): chr2:166,199,482, T>A on the plus strand (A>T on the coding strand, the complement: SCN9A is on the minus strand). VCF-style: chr2-166199482-T-A. GRCh37 (hg19) VCF-style: chr2-167055992-T-A.
Other names: c.5124A>T, p.Lys1708Asn (NM_002977.4); short protein forms K1708N, K1719N.
Identifiers: ClinVar variation 843749 (VCV000843749.12), dbSNP rs749848631, ClinGen allele CA1943722.
Genomic context (GRCh38, chr2:166,199,482, plus strand): 5'-GTAGAATATTCCAACAGATGGGTTACCACAGTCTCCTTCAACTGAACTTCCAGGATGAAC[T>A]TTTTTTGGGTCACAGTCGGGTGGCTTACTGTTAAGAATAGGTGCTAGCAATCCATCCCAG-3'
Protein context (NP_001352465.1, residues 1709-1729): NSKPPDCDPK[Lys1719Asn]VHPGSSVEGD

ClinVar aggregate classification (germline): Uncertain significance. Review status: criteria provided, multiple submitters, no conflicts (2 of 4 stars). 3 submissions from 3 submitters: Uncertain significance (3). Last evaluated 2026-06-24.

Conditions:
Neuropathy, hereditary sensory and autonomic, type 2A (HSAN2A). Also called: ACROOSTEOLYSIS, GIACCAI TYPE; ACROOSTEOLYSIS, NEUROGENIC; MORVAN DISEASE; WNK1-Related HSAN2 (HSAN2A); NEUROPATHY, CONGENITAL SENSORY; NEUROPATHY, HEREDITARY SENSORY RADICULAR, AUTOSOMAL RECESSIVE. Identifiers: Orphanet 970, MedGen C2752089, MONDO:0024309, OMIM 201300.
Generalized epilepsy with febrile seizures plus, type 7 (GEFSP7). Also called: GEFS+, TYPE 7. Identifiers: Orphanet 36387, MedGen C2751778, MONDO:0013470, OMIM 613863.
SCN9A-related disorder. Also called: SCN9A-related disorders; SCN9A-related condition.

Allele frequency attached by ClinVar (database versions not stated): gnomAD 0.00001; TOPMed 0.00001.
gnomAD v4.1: 5 of 1,614,028 alleles (0.00031%); highest among the groups gnomAD compares: Admixed American, 0.0017%; no homozygotes.

Submissions (3):

PreventionGenetics, part of Exact Sciences
Classification: Uncertain significance for SCN9A-related condition. Last evaluated: 2026-06-24. Review status: criteria provided, single submitter. Criteria: ACMG Guidelines, 2015. Collection method: clinical testing. Allele origin: germline.
Comment: The SCN9A c.5124A>T variant is predicted to result in the amino acid substitution p.Lys1708Asn. To our knowledge, this variant has not been reported in the literature. This variant is reported in 0.0029% of alleles in individuals of Latino descent in gnomAD. At this time, the clinical significance of this variant is uncertain due to the absence of conclusive functional and genetic evidence.

Labcorp Genetics (formerly Invitae), Labcorp
Classification: Uncertain significance for Neuropathy, hereditary sensory and autonomic, type 2A; Generalized epilepsy with febrile seizures plus, type 7. Last evaluated: 2024-01-21. Review status: criteria provided, single submitter. Criteria: Invitae Variant Classification Sherloc (09022015). Collection method: clinical testing. Allele origin: germline.
Comment: This sequence change replaces lysine, which is basic and polar, with asparagine, which is neutral and polar, at codon 1708 of the SCN9A protein (p.Lys1708Asn). This variant is present in population databases (rs749848631, gnomAD 0.003%). This variant has not been reported in the literature in individuals affected with SCN9A-related conditions. ClinVar contains an entry for this variant (Variation ID: 843749). Advanced modeling of protein sequence and biophysical properties (such as structural, functional, and spatial information, amino acid conservation, physicochemical variation, residue mobility, and thermodynamic stability) performed at Invitae indicates that this missense variant is not expected to disrupt SCN9A protein function with a negative predictive value of 95%. In summary, the available evidence is currently insufficient to determine the role of this variant in disease. Therefore, it has been classified as a Variant of Uncertain Significance.

Athena Diagnostics
Classification: Uncertain significance. Last evaluated: 2021-12-08. Review status: criteria provided, single submitter. Criteria: Athena Diagnostics Criteria. Collection method: clinical testing. Allele origin: unknown.